The following is an entry in ClinVar:

NM_001042492.3(NF1):c.6088dup (p.Val2030fs)

Gene: NF1 (neurofibromin 1; plus strand). Cytogenetic location: 17q11.2.
Variant type: Duplication.
Coding change: c.6088dup on transcript NM_001042492.3 (MANE Select); coding-DNA position 6088, one base duplicated (G; older notation c.6088dupG).
Protein change: p.Val2030fs; shifts the reading frame from valine 2030.
Molecular consequence: frameshift variant.
Genome position (GRCh38, 1-based): chr17:31,336,414, G duplicated; the last of 2 consecutive G bases (chr17:31,336,413-31,336,414); duplicating either gives the same sequence. VCF-style (leftmost placement, unchanged base first): chr17-31336412-A-AG. GRCh37 (hg19) VCF-style: chr17-29663430-A-AG.
Other names: c.6025dupG (NM_000267.3); c.6025dup, p.Val2009Glyfs (NM_000267.4); short protein forms V2030fs, V2009fs.
Identifiers: ClinVar variation 452757 (VCV000452757.2), dbSNP rs1555534609, ClinGen allele CA658658559.

ClinVar aggregate classification (germline): Pathogenic (1 of 4 stars; one submission).

Submission:

GeneDx
Classification: Pathogenic. Last evaluated: 2017-10-11. Review status: criteria provided, single submitter. Criteria: GeneDx Variant Classification (06012015). Collection method: clinical testing. Allele origin: germline. Affected: yes.
Comment: The c.6025dupG pathogenic variant in the NF1 gene causes a frameshift starting with codon Valine 2009, changes this amino acid to a Glycine residue and creates a premature Stop codon at position 30 of the new reading frame, denoted p.Val2009GlyfsX30. This pathogenic variant is predicted to cause loss of normal protein function either through protein truncation or nonsense-mediated mRNA decay. The variant is not observed in large population cohorts (Lek et al., 2016). Although this pathogenic variant has not been previously reported to our knowledge, its presence is consistent with the diagnosis of neurofibromatosis type 1.